The following is an entry in ClinVar:

ClinVar aggregate classification (germline): Benign/Likely benign. Review status: criteria provided, multiple submitters, no conflicts (2 of 4 stars). 2 submissions from 2 submitters: Benign (1); Likely benign (1). Last evaluated 2025-06-01.

Allele frequency attached by ClinVar (database versions not stated): ESP Exome Variant Server 0.00100; gnomAD 0.00151 and 0.00165; 1000 Genomes Project 30x 0.00156; 1000 Genomes Project 0.00160; TOPMed 0.00182; ExAC 0.00193; gnomAD exomes 0.00208.
gnomAD v4.1: 3,637 of 1,613,982 alleles (0.23%); highest among the groups gnomAD compares: Middle Eastern, 0.79%; 14 homozygotes.

Submissions (2):

CeGaT Center for Human Genetics Tuebingen
Classification: Likely benign. Last evaluated: 2025-06-01. Review status: criteria provided, single submitter. Criteria: CeGaT Center For Human Genetics Tuebingen Variant Classification Criteria Version 2. Collection method: clinical testing. Allele origin: germline. Affected: yes. Observed: 1 variant allele.
Comment: OPN5: BP4, BP7

Labcorp Genetics (formerly Invitae), Labcorp
Classification: Benign. Last evaluated: 2019-12-31. Review status: criteria provided, single submitter. Criteria: Invitae Variant Classification Sherloc (09022015). Collection method: clinical testing. Allele origin: germline.

NM_181744.4(OPN5):c.717G>T (p.Arg239=)

Gene: OPN5 (opsin 5; plus strand). Cytogenetic location: 6p12.3.
Variant type: single nucleotide variant.
Coding change: c.717G>T on transcript NM_181744.4 (MANE Select); coding-DNA position 717, G replaced by T.
Protein change: p.Arg239=; no amino-acid change (arginine 239 retained).
Molecular consequence: synonymous variant. On other transcripts: non-coding transcript variant (1).
Genome position (GRCh38, 1-based): chr6:47,795,524, G>T. VCF-style: chr6-47795524-G-T. GRCh37 (hg19) VCF-style: chr6-47763260-G-T.
Identifiers: ClinVar variation 787666 (VCV000787666.15), dbSNP rs138699473, ClinGen allele CA3845922.